The following is an entry in ClinVar:

ClinVar aggregate classification (germline): Uncertain significance (1 of 4 stars; one submission).

Submission:

Labcorp Genetics (formerly Invitae), Labcorp
Classification: Uncertain significance. Last evaluated: 2022-03-11. Review status: criteria provided, single submitter. Criteria: Invitae Variant Classification Sherloc (09022015). Collection method: clinical testing. Allele origin: germline.
Comment: In summary, the available evidence is currently insufficient to determine the role of this variant in disease. Therefore, it has been classified as a Variant of Uncertain Significance. Algorithms developed to predict the effect of missense changes on protein structure and function (SIFT, PolyPhen-2, Align-GVGD) all suggest that this variant is likely to be disruptive. This variant has not been reported in the literature in individuals affected with CLCN4-related conditions. This variant is not present in population databases (gnomAD no frequency). This sequence change replaces cysteine, which is neutral and slightly polar, with arginine, which is basic and polar, at codon 129 of the CLCN4 protein (p.Cys129Arg).

NM_001830.4(CLCN4):c.385T>C (p.Cys129Arg)

Gene: CLCN4 (chloride voltage-gated channel 4; plus strand). Cytogenetic location: Xp22.2.
Variant type: single nucleotide variant.
Coding change: c.385T>C on transcript NM_001830.4 (MANE Select); coding-DNA position 385, T replaced by C.
Protein change: p.Cys129Arg; replaces cysteine 129 with arginine.
Molecular consequence: missense variant.
Genome position (GRCh38, 1-based): chrX:10,195,051, T>C. VCF-style: chrX-10195051-T-C. GRCh37 (hg19) VCF-style: chrX-10163091-T-C.
Other names: c.103T>C, p.Cys35Arg (NM_001256944.2); short protein forms C129R, C35R.
Identifiers: ClinVar variation 2102510 (VCV002102510.4), dbSNP rs2518877900, ClinGen allele CA412034317.